The following is an entry in ClinVar:

NM_002637.4(PHKA1):c.442A>G (p.Met148Val)

Genes: PHKA1 (phosphorylase kinase regulatory subunit alpha 1; minus strand), PHKA1-AS1 (PHKA1 antisense RNA 1; plus strand). Cytogenetic location: Xq13.1.
Variant type: single nucleotide variant.
Coding change: c.442A>G on transcript NM_002637.4 (MANE Select); coding-DNA position 442, A replaced by G.
Protein change: p.Met148Val; replaces methionine 148 with valine.
Molecular consequence: missense variant.
Genome position (GRCh38, 1-based): chrX:72,695,720, T>C on the plus strand (A>G on the coding strand, the complement: PHKA1 is on the minus strand). VCF-style: chrX-72695720-T-C. GRCh37 (hg19) VCF-style: chrX-71915570-T-C.
Other names: c.442A>G, p.Met148Val (NM_001122670.2, NM_001172436.2); short protein forms M148V.
Identifiers: ClinVar variation 931085 (VCV000931085.5), dbSNP rs781837256, ClinGen allele CA10451066.
Genomic context (GRCh38, chrX:72,695,720, plus strand): 5'-CCAGACTCCATGCTCAGGGGCTCCCAGCACTTCTCTCCTTGTACTGACCTGAGGCAGTCA[T>C]TTGGGCTAAGAAGAGCAGGTACACAGAGGTAGCATCCAACTGCAGGTGTCCCCATTGATC-3'
Protein context (NP_002628.2, residues 138-158): TSVYLLFLAQ[Met148Val]TASGLHIIHS

ClinVar aggregate classification (germline): Uncertain significance. Review status: criteria provided, multiple submitters, no conflicts (2 of 4 stars). 3 submissions from 3 submitters: Uncertain significance (3). Last evaluated 2025-04-23.

Conditions:
Glycogen storage disease IXd (GSD9D). Also called: GSD IXd; Muscle Phosphorylase Kinase Deficiency. Identifiers: Orphanet 715, MedGen C1845151, MONDO:0010362, OMIM 300559.

Allele frequency attached by ClinVar (database versions not stated): gnomAD exomes below 0.00001 and 0.00002; TOPMed below 0.00001; ExAC 0.00003.

Submissions (3):

Labcorp Genetics (formerly Invitae), Labcorp
Classification: Uncertain significance for Glycogen storage disease IXd. Last evaluated: 2025-04-23. Review status: criteria provided, single submitter. Criteria: Invitae Variant Classification Sherloc (09022015). Collection method: clinical testing. Allele origin: germline.
Comment: This sequence change replaces methionine, which is neutral and non-polar, with valine, which is neutral and non-polar, at codon 148 of the PHKA1 protein (p.Met148Val). This variant is present in population databases (rs781837256, gnomAD 0.02%). This variant has not been reported in the literature in individuals affected with PHKA1-related conditions. ClinVar contains an entry for this variant (Variation ID: 931085). Invitae Evidence Modeling of protein sequence and biophysical properties (such as structural, functional, and spatial information, amino acid conservation, physicochemical variation, residue mobility, and thermodynamic stability) indicates that this missense variant is expected to disrupt PHKA1 protein function with a positive predictive value of 80%. In summary, the available evidence is currently insufficient to determine the role of this variant in disease. Therefore, it has been classified as a Variant of Uncertain Significance.

Centre for Mendelian Genomics, University Medical Centre Ljubljana
Classification: Uncertain significance for Glycogen storage disease IXd. Last evaluated: 2019-05-06. Review status: criteria provided, single submitter. Criteria: ACMG Guidelines, 2015. Collection method: clinical testing. Allele origin: unknown. Affected: yes.
Comment: This variant was classified as: Uncertain significance. The available evidence on this variant's pathogenicity is insufficient or conflicting. The following ACMG criteria were applied in classifying this variant: PP3. This variant was detected in hemizygous state.

Breakthrough Genomics
Classification: Uncertain significance. Review status: criteria provided, single submitter. Criteria: ACMG Guidelines, 2015. Collection method: not provided. Allele origin: germline. Inheritance: X-linked recessive inheritance. Affected: yes.